The following is an entry in ClinVar:

NM_022455.5(NSD1):c.1797C>T (p.Ile599=)

Gene: NSD1 (nuclear receptor binding SET domain protein 1; plus strand). Cytogenetic location: 5q35.3.
Variant type: single nucleotide variant.
Coding change: c.1797C>T on transcript NM_022455.5 (MANE Select); coding-DNA position 1797, C replaced by T.
Protein change: p.Ile599=; no amino-acid change (isoleucine 599 retained).
Molecular consequence: synonymous variant.
Genome position (GRCh38, 1-based): chr5:177,210,196, C>T. VCF-style: chr5-177210196-C-T. GRCh37 (hg19) VCF-style: chr5-176637197-C-T.
Other names: c.924C>T, p.Ile308= (NM_001409306.1, NM_001409307.1, NM_001409308.1 and 3 more transcripts); c.1797C>T, p.Ile599= (NM_001409302.1, NM_001409303.1, NM_001409301.1); c.1377C>T, p.Ile459= (NM_001409304.1); c.1044C>T, p.Ile348= (NM_001409305.1).
Identifiers: ClinVar variation 524735 (VCV000524735.9), dbSNP rs1554189107, ClinGen allele CA447960231.

ClinVar aggregate classification (germline): Likely benign. Review status: criteria provided, single submitter (1 of 4 stars). 2 submissions from 1 submitter: Likely benign (1). 1 of the submissions does not count toward it. Last evaluated 2017-11-27.

Conditions:
Beckwith-Wiedemann syndrome (BWS). Also called: EMG SYNDROME; Exomphalos macroglossia gigantism syndrome. Identifiers: Orphanet 116, MedGen C0004903, MONDO:0007534, OMIM 130650.

Allele frequency attached by ClinVar (database versions not stated): gnomAD exomes below 0.00001.
gnomAD v4.1: 1 of 1,599,154 alleles (0.000063%); highest among the groups gnomAD compares: Non-Finnish European, 0.000085%; no homozygotes.

Submissions (2):

Labcorp Genetics (formerly Invitae), Labcorp
Classification: Likely benign. Last evaluated: 2017-11-27. Review status: criteria provided, single submitter. Criteria: Invitae Variant Classification Sherloc (09022015). Collection method: clinical testing. Allele origin: germline.

Labcorp Genetics (formerly Invitae), Labcorp
Classification: Likely benign for Beckwith-Wiedemann syndrome. Last evaluated: 2017-11-28. Review status: flagged submission. Criteria: Invitae Variant Classification Sherloc (09022015). Collection method: clinical testing. Allele origin: germline. Not counted in ClinVar's aggregate classification.
ClinVar note: Reason: This record appears to be redundant with a more recent record from the same submitter.
ClinVar note: Notes: SCV000749491 appears to be redundant with SCV001600182.